The following is an entry in ClinVar:

ClinVar aggregate classification (germline): Likely pathogenic (1 of 4 stars; one submission).

Conditions:
Seizures, benign familial infantile, 3 (BFIS3). Also called: Familial neonatal seizures; CONVULSIONS, BENIGN FAMILIAL INFANTILE, 3. Identifiers: Orphanet 140927, Orphanet 306, MedGen C1843140, MONDO:0011904, OMIM 607745.

Submission:

Institute of Human Genetics, University of Leipzig Medical Center
Classification: Likely pathogenic for Seizures, benign familial infantile, 3. Last evaluated: 2025-05-26. Review status: criteria provided, single submitter. Criteria: ACMG Guidelines, 2015. Collection method: clinical testing. Allele origin: unknown. Inheritance: Autosomal dominant inheritance. Affected: yes.
Comment: Criteria applied: PVS1,PM2_SUP

NM_001040142.2(SCN2A):c.4008del (p.Ile1337fs)

Gene: SCN2A (sodium voltage-gated channel alpha subunit 2; plus strand). Cytogenetic location: 2q24.3.
Variant type: Deletion.
Coding change: c.4008del on transcript NM_001040142.2 (MANE Select); coding-DNA position 4008, one base deleted (T; older notation c.4008delT).
Protein change: p.Ile1337fs; shifts the reading frame from isoleucine 1337.
Molecular consequence: frameshift variant.
Genome position (GRCh38, 1-based): chr2:165,374,720, T deleted. VCF-style (leftmost placement, unchanged base first): chr2-165374719-CT-C. GRCh37 (hg19) VCF-style: chr2-166231229-CT-C.
Other names: c.4008del, p.Ile1337fs (NM_001040143.2, NM_001371246.1, NM_001371247.1 and 1 more transcripts); short protein forms I1337fs.
Identifiers: ClinVar variation 3901195 (VCV003901195.1).